The following is an entry in ClinVar:

ClinVar aggregate classification (germline): Uncertain significance (1 of 4 stars; one submission).

Allele frequency attached by ClinVar (database versions not stated): gnomAD exomes 0.00001.
gnomAD v4.1: 11 of 1,614,022 alleles (0.00068%); highest among the groups gnomAD compares: Non-Finnish European, 0.00093%; no homozygotes.

Submission:

Labcorp Genetics (formerly Invitae), Labcorp
Classification: Uncertain significance. Last evaluated: 2021-11-08. Review status: criteria provided, single submitter. Criteria: Invitae Variant Classification Sherloc (09022015). Collection method: clinical testing. Allele origin: germline.
Comment: In summary, the available evidence is currently insufficient to determine the role of this variant in disease. Therefore, it has been classified as a Variant of Uncertain Significance. Algorithms developed to predict the effect of missense changes on protein structure and function are either unavailable or do not agree on the potential impact of this missense change (SIFT: "Deleterious"; PolyPhen-2: "Probably Damaging"; Align-GVGD: "Class C0"). This variant has not been reported in the literature in individuals affected with MME-related conditions. This variant is not present in population databases (gnomAD no frequency). This sequence change replaces valine, which is neutral and non-polar, with glycine, which is neutral and non-polar, at codon 116 of the MME protein (p.Val116Gly).

NM_007289.4(MME):c.347T>G (p.Val116Gly)

Gene: MME (membrane metalloendopeptidase; plus strand). Cytogenetic location: 3q25.2.
Variant type: single nucleotide variant.
Coding change: c.347T>G on transcript NM_007289.4 (MANE Select); coding-DNA position 347, T replaced by G.
Protein change: p.Val116Gly; replaces valine 116 with glycine.
Molecular consequence: missense variant.
Genome position (GRCh38, 1-based): chr3:155,115,144, T>G. VCF-style: chr3-155115144-T-G. GRCh37 (hg19) VCF-style: chr3-154832933-T-G.
Other names: c.347T>G, p.Val116Gly (NM_000902.5, NM_001354642.2, NM_001354643.1 and 2 more transcripts); short protein forms V116G.
Identifiers: ClinVar variation 1436081 (VCV001436081.6), dbSNP rs2108251574, ClinGen allele CA355127678.